The following is an entry in ClinVar:

NM_001134407.3(GRIN2A):c.1123-39G>A

Gene: GRIN2A (glutamate ionotropic receptor NMDA type subunit 2A; minus strand). Cytogenetic location: 16p13.2.
Variant type: single nucleotide variant.
Coding change: c.1123-39G>A on transcript NM_001134407.3 (MANE Select); 39 bases into the intron before coding-DNA position 1123, G replaced by A.
Molecular consequence: intron variant.
Genome position (GRCh38, 1-based): chr16:9,850,000, C>T on the plus strand (G>A on the coding strand, the complement: GRIN2A is on the minus strand). VCF-style: chr16-9850000-C-T. GRCh37 (hg19) VCF-style: chr16-9943857-C-T.
Other names: c.1123-39G>A (NM_001134408.2, NM_000833.5).
Identifiers: ClinVar variation 675945 (VCV000675945.1), dbSNP rs4781939, ClinGen allele CA7896802.
Genomic context (GRCh38, chr16:9,850,000, plus strand): 5'-TATGGTTCTCCCACTTGCCCACCTGCAGCACAAACACAAAGACACAGCTGTGCTTTCTTC[C>T]GCCGCTGATTTCTGGAGAGGCAAATCCTTTCCCTGCCAGAGACATCCATCCGTCTCAAGG-3'

ClinVar aggregate classification (germline): Likely benign (1 of 4 stars; one submission).

Allele frequency attached by ClinVar (database versions not stated): ExAC 0.00165; ESP Exome Variant Server 0.00354; gnomAD 0.00396 and 0.00420; TOPMed 0.00423; 1000 Genomes Project 30x 0.00750; 1000 Genomes Project 0.00779.
gnomAD v4.1: 1,409 of 1,559,226 alleles (0.09%); highest among the groups gnomAD compares: African/African-American, 1.2%; 5 homozygotes.

Submission:

GeneDx
Classification: Likely benign. Last evaluated: 2018-06-14. Review status: criteria provided, single submitter. Criteria: GeneDx Variant Classification (06012015). Collection method: clinical testing. Allele origin: germline. Affected: yes.
Comment: This variant is considered likely benign or benign based on one or more of the following criteria: it is a conservative change, it occurs at a poorly conserved position in the protein, it is predicted to be benign by multiple in silico algorithms, and/or has population frequency not consistent with disease.